The following is an entry in ClinVar:

NM_020779.4(WDR35):c.1554C>G (p.Tyr518Ter)

Gene: WDR35 (WD repeat domain 35; minus strand). Cytogenetic location: 2p24.1.
Variant type: single nucleotide variant.
Coding change: c.1554C>G on transcript NM_020779.4 (MANE Select); coding-DNA position 1554, C replaced by G.
Protein change: p.Tyr518Ter; replaces tyrosine 518 with a stop codon.
Molecular consequence: nonsense.
Genome position (GRCh38, 1-based): chr2:19,946,541, G>C on the plus strand (C>G on the coding strand, the complement: WDR35 is on the minus strand). VCF-style: chr2-19946541-G-C. GRCh37 (hg19) VCF-style: chr2-20146302-G-C.
Other names: c.1587C>G, p.Tyr529Ter (NM_001006657.2); short protein forms Y518*, Y529*.
Identifiers: ClinVar variation 2939861 (VCV002939861.3), dbSNP rs2527882862, ClinGen allele CA345945083.

ClinVar aggregate classification (germline): Pathogenic (1 of 4 stars; one submission).

Conditions:
Short-rib thoracic dysplasia 7 with or without polydactyly (SRTD7). Also called: Short rib polydactyly syndrome 5; SHORT-RIB THORACIC DYSPLASIA 7 WITH POLYDACTYLY. Identifiers: Orphanet 498497, Orphanet 93271, MedGen C3279792, MONDO:0013569, OMIM 614091.
Cranioectodermal dysplasia 2 (CED2). Identifiers: Orphanet 1515, MedGen C3150874, MONDO:0013323, OMIM 613610.

gnomAD v4.1: 1 of 1,613,588 alleles (0.000062%); highest among the groups gnomAD compares: Non-Finnish European, 0.000085%; no homozygotes.

Submission:

Labcorp Genetics (formerly Invitae), Labcorp
Classification: Pathogenic for Cranioectodermal dysplasia 2; Short-rib thoracic dysplasia 7 with or without polydactyly. Last evaluated: 2023-12-23. Review status: criteria provided, single submitter. Criteria: Invitae Variant Classification Sherloc (09022015). Collection method: clinical testing. Allele origin: germline.
Comment: This sequence change creates a premature translational stop signal (p.Tyr529*) in the WDR35 gene. It is expected to result in an absent or disrupted protein product. Loss-of-function variants in WDR35 are known to be pathogenic (PMID: 22486404, 29068549). This variant is not present in population databases (gnomAD no frequency). This variant has not been reported in the literature in individuals affected with WDR35-related conditions. Algorithms developed to predict the effect of sequence changes on RNA splicing suggest that this variant may disrupt the consensus splice site. For these reasons, this variant has been classified as Pathogenic.

Literature cited by the submitters: PubMed 22486404; PubMed 29068549.